The following is an entry in ClinVar:

ClinVar aggregate classification (germline): Conflicting classifications of pathogenicity. Review status: criteria provided, conflicting classifications (1 of 4 stars). 4 submissions from 4 submitters: Uncertain significance (1); Likely benign (3). Last evaluated 2026-02-01.

Conditions:
Kabuki syndrome. Also called: NIIKAWA-KUROKI SYNDROME; Kabuki make-up syndrome. Identifiers: Orphanet 2322, MedGen C0796004, MONDO:0016512.

Allele frequency attached by ClinVar (database versions not stated): gnomAD exomes 0.00006 and 0.00008; ExAC 0.00008; TOPMed 0.00009; gnomAD 0.00013 and 0.00014; 1000 Genomes Project 30x 0.00016; 1000 Genomes Project 0.00020; ESP Exome Variant Server 0.00032.

Submissions (4):

CeGaT Center for Human Genetics Tuebingen
Classification: Likely benign. Last evaluated: 2026-02-01. Review status: criteria provided, single submitter. Criteria: CeGaT Center For Human Genetics Tuebingen Variant Classification Criteria Version 2. Collection method: clinical testing. Allele origin: germline. Affected: yes. Observed: 2 variant alleles.
Comment: KMT2D: BP4, BP7

Labcorp Genetics (formerly Invitae), Labcorp
Classification: Likely benign for Kabuki syndrome. Last evaluated: 2025-11-23. Review status: criteria provided, single submitter. Criteria: Invitae Variant Classification Sherloc (09022015). Collection method: clinical testing. Allele origin: germline.

Blueprint Genetics
Classification: Likely benign. Last evaluated: 2024-10-07. Review status: criteria provided, single submitter. Criteria: ACMG Guidelines, 2015. Collection method: clinical testing. Allele origin: germline.

Eurofins Ntd Llc (ga)
Classification: Uncertain significance. Last evaluated: 2013-09-10. Review status: criteria provided, single submitter. Criteria: EGL Classification Definitions 2015. Collection method: clinical testing. Allele origin: germline. Observed: 1 variant allele, 1 heterozygote.

NM_003482.4(KMT2D):c.7839G>A (p.Pro2613=)

Gene: KMT2D (lysine methyltransferase 2D; minus strand). Cytogenetic location: 12q13.12.
Variant type: single nucleotide variant.
Coding change: c.7839G>A on transcript NM_003482.4 (MANE Select); coding-DNA position 7839, G replaced by A.
Protein change: p.Pro2613=; no amino-acid change (proline 2613 retained).
Molecular consequence: synonymous variant.
Genome position (GRCh38, 1-based): chr12:49,039,931, C>T on the plus strand (G>A on the coding strand, the complement: KMT2D is on the minus strand). VCF-style: chr12-49039931-C-T. GRCh37 (hg19) VCF-style: chr12-49433714-C-T.
Identifiers: ClinVar variation 94252 (VCV000094252.21), dbSNP rs370627714, ClinGen allele CA222112.